The following is an entry in ClinVar:

NM_001276270.2(MBD4):c.1544-7T>C

Gene: MBD4 (methyl-CpG binding domain 4, DNA glycosylase; minus strand). Cytogenetic location: 3q21.3.
Variant type: single nucleotide variant.
Coding change: c.1544-7T>C on transcript NM_001276270.2 (MANE Select); 7 bases into the intron before coding-DNA position 1544, T replaced by C.
Molecular consequence: intron variant.
Genome position (GRCh38, 1-based): chr3:129,432,613, A>G on the plus strand (T>C on the coding strand, the complement: MBD4 is on the minus strand). VCF-style: chr3-129432613-A-G. GRCh37 (hg19) VCF-style: chr3-129151456-A-G.
Other names: c.608-7T>C (NM_001276273.2); c.1562-7T>C (NM_001276272.2, NM_003925.3, NM_001276271.2).
Identifiers: ClinVar variation 2870523 (VCV002870523.4), dbSNP rs2530697303, ClinGen allele CA2577893957.

ClinVar aggregate classification (germline): Likely benign. Review status: criteria provided, multiple submitters, no conflicts (2 of 4 stars). 2 submissions from 2 submitters: Likely benign (2). Last evaluated 2026-06-09.

Conditions:
Tumor predisposition syndrome 2 (TPDS2). Also called: MBD4-ASSOCIATED NEOPLASIA SYNDROME; MBD4-Related Tumor Predisposition Syndrome; MBD4-associated neoplasia syndrome (MANS). Identifiers: Orphanet 661526, MedGen C5774186, MONDO:0859267, OMIM 619975.

Allele frequency attached by ClinVar (database versions not stated): gnomAD exomes below 0.00001.
gnomAD v4.1: 6 of 1,613,874 alleles (0.00037%); highest among the groups gnomAD compares: Non-Finnish European, 0.00042%; no homozygotes.

Submissions (2):

Myriad Genetics, Inc.
Classification: Likely benign for Tumor predisposition syndrome 2. Last evaluated: 2026-06-09. Review status: criteria provided, single submitter. Criteria: Myriad Autosomal Dominant, Autosomal Recessive and X-Linked Classification Criteria (2023). Collection method: clinical testing. Allele origin: unknown.
Comment: This variant is considered likely benign. This variant is intronic and is not expected to impact mRNA splicing.

Labcorp Genetics (formerly Invitae), Labcorp
Classification: Likely benign. Last evaluated: 2024-10-02. Review status: criteria provided, single submitter. Criteria: Invitae Variant Classification Sherloc (09022015). Collection method: clinical testing. Allele origin: germline.